The following is an entry in ClinVar:

NM_017739.4(POMGNT1):c.813A>C (p.Lys271Asn)

Genes: TSPAN1 (tetraspanin 1; plus strand), POMGNT1 (protein O-linked mannose N-acetylglucosaminyltransferase 1 (beta 1,2-); minus strand). Cytogenetic location: 1p34.1.
Variant type: single nucleotide variant.
Coding change: c.813A>C on transcript NM_017739.4 (MANE Select); coding-DNA position 813, A replaced by C.
Protein change: p.Lys271Asn; replaces lysine 271 with asparagine.
Molecular consequence: missense variant.
Genome position (GRCh38, 1-based): chr1:46,194,340, T>G on the plus strand (A>C on the coding strand, the complement: POMGNT1 is on the minus strand). VCF-style: chr1-46194340-T-G. GRCh37 (hg19) VCF-style: chr1-46660012-T-G.
Other names: c.813A>C, p.Lys271Asn (NM_001243766.2, NM_001410783.1); c.747A>C, p.Lys249Asn (NM_001290129.3); c.384A>C, p.Lys128Asn (NM_001290130.2); short protein forms K271N, K128N, K249N.
Identifiers: ClinVar variation 297536 (VCV000297536.9), dbSNP rs757156888, ClinGen allele CA833596.
Genomic context (GRCh38, chr1:46,194,340, plus strand): 5'-AGGGCTGAACTCGATGGGTGTGGGGTCCTTGCAGCTGCATACACTTCCATAGCCCTCAAC[T>G]TTGCTGCAGAAGCGCCGGCGGCGACGGTTCAGCTCTGTGTCTGCCCAGTGGCACTCTGCC-3'
Protein context (NP_060209.4, residues 261-281): LNRRRRRFCS[Lys271Asn]VEGYGSVCSC

ClinVar aggregate classification (germline): Uncertain significance. Review status: criteria provided, multiple submitters, no conflicts (2 of 4 stars). 3 submissions from 2 submitters: Uncertain significance (3). Last evaluated 2021-09-15.

Conditions:
Congenital Muscular Dystrophy, alpha-dystroglycan related.
Autosomal recessive limb-girdle muscular dystrophy type 2O. Also called: MUSCULAR DYSTROPHY-DYSTROGLYCANOPATHY, LIMB-GIRDLE, POMGNT1-RELATED; Limb-Girdle Muscular Dystrophy Type 3C; MUSCULAR DYSTROPHY-DYSTROGLYCANOPATHY (LIMB-GIRDLE), TYPE C, 3. Identifiers: Orphanet 206564, MedGen C3150417, MONDO:0013161, OMIM 613157.
Muscular dystrophy-dystroglycanopathy (congenital with impaired intellectual development), type B, 3. Also called: Muscular dystrophy-dystroglycanopathy (congenital with intellectual disability), type B3; MUSCULAR DYSTROPHY, CONGENITAL, POMGNT1-RELATED. Identifiers: MedGen C3150412, MONDO:0013155, OMIM 613151.

Allele frequency attached by ClinVar (database versions not stated): gnomAD exomes 0.00001 and below 0.00001; TOPMed 0.00002; gnomAD 0.00001; ExAC 0.00002.
gnomAD v4.1: 8 of 1,614,078 alleles (0.0005%); highest among the groups gnomAD compares: East Asian, 0.0022%; no homozygotes.

Submissions (3):

Labcorp Genetics (formerly Invitae), Labcorp
Classification: Uncertain significance for Autosomal recessive limb-girdle muscular dystrophy type 2O; Muscular dystrophy-dystroglycanopathy (congenital with impaired intellectual development), type B, 3. Last evaluated: 2021-09-15. Review status: criteria provided, single submitter. Criteria: Invitae Variant Classification Sherloc (09022015). Collection method: clinical testing. Allele origin: germline.
Comment: This sequence change replaces lysine with asparagine at codon 271 of the POMGNT1 protein (p.Lys271Asn). The lysine residue is highly conserved and there is a moderate physicochemical difference between lysine and asparagine. This variant is present in population databases (rs757156888, ExAC 0.01%). This variant has not been reported in the literature in individuals affected with POMGNT1-related conditions. ClinVar contains an entry for this variant (Variation ID: 297536). Advanced modeling of protein sequence and biophysical properties (such as structural, functional, and spatial information, amino acid conservation, physicochemical variation, residue mobility, and thermodynamic stability) performed at Invitae indicates that this missense variant is not expected to disrupt POMGNT1 protein function. In summary, the available evidence is currently insufficient to determine the role of this variant in disease. Therefore, it has been classified as a Variant of Uncertain Significance.

Illumina Laboratory Services, Illumina
Classification: Uncertain significance for Congenital Muscular Dystrophy, alpha-dystroglycan related. Last evaluated: 2018-01-13. Review status: criteria provided, single submitter. Criteria: ICSL Variant Classification Criteria 13 December 2019. Collection method: clinical testing. Allele origin: germline.

Illumina Laboratory Services, Illumina
Classification: Uncertain significance for Autosomal recessive limb-girdle muscular dystrophy type 2O. Last evaluated: 2018-01-13. Review status: criteria provided, single submitter. Criteria: ICSL Variant Classification Criteria 13 December 2019. Collection method: clinical testing. Allele origin: germline.